The following is an entry in ClinVar:

ClinVar aggregate classification (germline): Uncertain significance. Review status: criteria provided, single submitter (1 of 4 stars). 2 submissions from 2 submitters: Uncertain significance (1). 1 of the submissions does not count toward it. Last evaluated 2024-12-07.

Conditions:
PIKFYVE-related disorder. Also called: PIKFYVE-related condition.
Inborn genetic diseases. Identifiers: MedGen C0950123, MeSH D030342.

gnomAD v4.1: 15 of 1,613,868 alleles (0.00093%); highest among the groups gnomAD compares: South Asian, 0.0022%; no homozygotes.

Submissions (2):

Ambry Genetics
Classification: Uncertain significance for Inborn genetic diseases. Last evaluated: 2024-12-07. Review status: criteria provided, single submitter. Criteria: Ambry Variant Classification Scheme 2023. Collection method: clinical testing. Allele origin: germline.

PreventionGenetics, part of Exact Sciences
Classification: Uncertain significance for PIKFYVE-related condition. Last evaluated: 2024-07-01. Review status: no assertion criteria provided. Collection method: clinical testing. Allele origin: germline. Not counted in ClinVar's aggregate classification.
Comment: The PIKFYVE c.526C>T variant is predicted to result in the amino acid substitution p.Arg176Cys. To our knowledge, this variant has not been reported in the literature. This variant is reported in 0.0035% of alleles in individuals of European (Non-Finnish) descent in gnomAD. At this time, the clinical significance of this variant is uncertain due to the absence of conclusive functional and genetic evidence.

NM_015040.4(PIKFYVE):c.526C>T (p.Arg176Cys)

Gene: PIKFYVE (phosphoinositide kinase, FYVE-type zinc finger containing; plus strand). Cytogenetic location: 2q34.
Variant type: single nucleotide variant.
Coding change: c.526C>T on transcript NM_015040.4 (MANE Select); coding-DNA position 526, C replaced by T.
Protein change: p.Arg176Cys; replaces arginine 176 with cysteine.
Molecular consequence: missense variant. On other transcripts: intron variant (1).
Genome position (GRCh38, 1-based): chr2:208,277,621, C>T. VCF-style: chr2-208277621-C-T. GRCh37 (hg19) VCF-style: chr2-209142345-C-T.
Other names: c.526C>T, p.Arg176Cys (NM_001178000.2); c.322+3888C>T (NM_152671.4); short protein forms R176C.
Identifiers: ClinVar variation 3357897 (VCV003357897.2).
Genomic context (GRCh38, chr2:208,277,621, plus strand): 5'-ATGCCAGATAGCCAATGTAAAGAGTGCTATGACTGTAGTGAGAAATTTACAACCTTTAGG[C>T]GCAGACACCATTGCCGACTATGTGGGCAGATTTTCTGCAGTCGTTGCTGTAATCAAGAAA-3'
Protein context (NP_055855.2, residues 166-186): DCSEKFTTFR[Arg176Cys]RHHCRLCGQI